The following is an entry in ClinVar:

NM_005639.3(SYT1):c.367G>T (p.Asp123Tyr)

Gene: SYT1 (synaptotagmin 1; plus strand). Cytogenetic location: 12q21.2.
Variant type: single nucleotide variant.
Coding change: c.367G>T on transcript NM_005639.3 (MANE Select); coding-DNA position 367, G replaced by T.
Protein change: p.Asp123Tyr; replaces aspartic acid 123 with tyrosine.
Molecular consequence: missense variant.
Genome position (GRCh38, 1-based): chr12:79,292,023, G>T. VCF-style: chr12-79292023-G-T. GRCh37 (hg19) VCF-style: chr12-79685803-G-T.
Other names: c.367G>T, p.Asp123Tyr (NM_001135805.2, NM_001135806.2, NM_001415938.1 and 2 more transcripts); c.358G>T, p.Asp120Tyr (NM_001291901.2, NM_001415941.1, NM_001415942.1 and 1 more transcripts); short protein forms D120Y, D123Y.
Identifiers: ClinVar variation 5017612 (VCV005017612.1).

ClinVar aggregate classification (germline): Uncertain significance (1 of 4 stars; one submission).

gnomAD v4.1: 1 of 1,613,900 alleles (0.000062%); highest among the groups gnomAD compares: South Asian, 0.0011%; no homozygotes.

Submission:

GeneDx
Classification: Uncertain significance. Last evaluated: 2026-03-26. Review status: criteria provided, single submitter. Criteria: GeneDx Variant Classification Process June 2021. Collection method: clinical testing. Allele origin: germline.
Comment: Not observed at significant frequency in large population cohorts (gnomAD); In silico analysis supports that this missense variant has a deleterious effect on protein structure/function; Has not been previously published as pathogenic or benign to our knowledge